The following is an entry in ClinVar:

NM_014244.5(ADAMTS2):c.588G>A (p.Lys196=)

Gene: ADAMTS2 (ADAM metallopeptidase with thrombospondin type 1 motif 2; minus strand). Cytogenetic location: 5q35.3.
Variant type: single nucleotide variant.
Coding change: c.588G>A on transcript NM_014244.5 (MANE Select); coding-DNA position 588, G replaced by A.
Protein change: p.Lys196=; no amino-acid change (lysine 196 retained).
Molecular consequence: synonymous variant.
Genome position (GRCh38, 1-based): chr5:179,273,011, C>T on the plus strand (G>A on the coding strand, the complement: ADAMTS2 is on the minus strand). VCF-style: chr5-179273011-C-T. GRCh37 (hg19) VCF-style: chr5-178700012-C-T.
Other names: c.588G>A, p.Lys196= (NM_021599.4).
Identifiers: ClinVar variation 1083786 (VCV001083786.17), dbSNP rs142721501, ClinGen allele CA3596263.

ClinVar aggregate classification (germline): Likely benign. Review status: criteria provided, multiple submitters, no conflicts (2 of 4 stars). 5 submissions from 5 submitters: Likely benign (3). 2 of the submissions do not count toward it. Last evaluated 2026-01-25.

Conditions:
Ehlers-Danlos syndrome, dermatosparaxis type. Also called: Dermatosparaxis; EDS VIIC; Ehlers-Danlos syndrome, type VII, autosomal recessive. Identifiers: Orphanet 1901, MedGen C2700425, MONDO:0009161, OMIM 225410.
ADAMTS2-related disorder. Also called: ADAMTS2-related condition.

Allele frequency attached by ClinVar (database versions not stated): gnomAD exomes 0.00002 and 0.00006; ExAC 0.00006; 1000 Genomes Project 0.00020; gnomAD 0.00025 and 0.00026; TOPMed 0.00029; ESP Exome Variant Server 0.00031; 1000 Genomes Project 30x 0.00047.
gnomAD v4.1: 74 of 1,613,540 alleles (0.0046%); highest among the groups gnomAD compares: African/African-American, 0.077%; no homozygotes.

Submissions (5):

Labcorp Genetics (formerly Invitae), Labcorp
Classification: Likely benign for Ehlers-Danlos syndrome, dermatosparaxis type. Last evaluated: 2026-01-25. Review status: criteria provided, single submitter. Criteria: Invitae Variant Classification Sherloc (09022015). Collection method: clinical testing. Allele origin: germline.

GeneDx
Classification: Likely benign. Last evaluated: 2021-03-25. Review status: criteria provided, single submitter. Criteria: GeneDx Variant Classification Process June 2021. Collection method: clinical testing. Allele origin: germline. Affected: yes.

Breakthrough Genomics
Classification: Likely benign. Review status: criteria provided, single submitter. Criteria: ACMG Guidelines, 2015. Collection method: not provided. Allele origin: germline. Inheritance: Autosomal recessive inheritance. Affected: yes.

PreventionGenetics, part of Exact Sciences
Classification: Likely benign for ADAMTS2-related condition. Last evaluated: 2023-07-21. Review status: no assertion criteria provided. Collection method: clinical testing. Allele origin: germline. Not counted in ClinVar's aggregate classification.
Comment: This variant is classified as likely benign based on ACMG/AMP sequence variant interpretation guidelines (Richards et al. 2015 PMID: 25741868, with internal and published modifications).

Natera, Inc.
Classification: Likely benign for Ehlers-Danlos syndrome type VIIC. Last evaluated: 2021-08-03. Review status: no assertion criteria provided. Collection method: clinical testing. Allele origin: germline. Not counted in ClinVar's aggregate classification.